The following is an entry in ClinVar:

NM_001205293.3(CACNA1E):c.6731G>A (p.Cys2244Tyr)

Gene: CACNA1E (calcium voltage-gated channel subunit alpha1 E; plus strand). Cytogenetic location: 1q25.3.
Variant type: single nucleotide variant.
Coding change: c.6731G>A on transcript NM_001205293.3 (MANE Select); coding-DNA position 6731, G replaced by A.
Protein change: p.Cys2244Tyr; replaces cysteine 2244 with tyrosine.
Molecular consequence: missense variant.
Genome position (GRCh38, 1-based): chr1:181,798,623, G>A. VCF-style: chr1-181798623-G-A. GRCh37 (hg19) VCF-style: chr1-181767759-G-A.
Other names: c.6602G>A, p.Cys2201Tyr (NM_000721.4); c.6545G>A, p.Cys2182Tyr (NM_001205294.2); short protein forms C2182Y, C2201Y, C2244Y.
Identifiers: ClinVar variation 4881728 (VCV004881728.2).

ClinVar aggregate classification (germline): Uncertain significance (1 of 4 stars; one submission).

Submission:

Dasa
Classification: Uncertain significance. Last evaluated: 2026-03-24. Review status: criteria provided, single submitter. Criteria: DASA Assertion Criteria. Collection method: clinical testing. Allele origin: germline.
Comment: NM_001205293.3(CACNA1E):c.6731G>A (p.Cys2244Tyr) is a missense variant that results in the substitution of cysteine with tyrosine. This variant is rare in population databases. The currently available literature and clinical evidence are not sufficient to establish a definitive association between this variant and the reported condition. Therefore, this variant is classified as a variant of uncertain significance.